The following is an entry in ClinVar:

ClinVar aggregate classification (germline): Uncertain significance (1 of 4 stars; one submission).

Conditions:
Cardiomyopathy (CMYO). Also called: Cardiomyopathies. Identifiers: Orphanet 167848, MedGen C0878544, MONDO:0004994, HP:0001638. Inheritance: Various modes of inheritance.

gnomAD v4.1: 1 of 1,613,768 alleles (0.000062%); highest among the groups gnomAD compares: Non-Finnish European, 0.000085%; no homozygotes.

Submission:

Color Diagnostics, LLC DBA Color Health
Classification: Uncertain significance for Cardiomyopathy. Last evaluated: 2025-09-01. Review status: criteria provided, single submitter. Criteria: ACMG Guidelines, 2015. Collection method: clinical testing. Allele origin: germline.
Comment: This missense variant replaces histidine with asparagine at codon 410 of the RYR2 protein. Computational prediction suggests that this variant may not impact protein structure and function. To our knowledge, functional studies have not been reported for this variant. This variant has not been reported in individuals affected with RYR2-related disorders in the literature. This variant has not been identified in the general population by the Genome Aggregation Database (gnomAD). The available evidence is insufficient to determine the role of this variant in disease conclusively. Therefore, this variant is classified as a Variant of Uncertain Significance.

NM_001035.3(RYR2):c.1228C>A (p.His410Asn)

Gene: RYR2 (ryanodine receptor 2; plus strand). Cytogenetic location: 1q43.
Variant type: single nucleotide variant.
Coding change: c.1228C>A on transcript NM_001035.3 (MANE Select); coding-DNA position 1228, C replaced by A.
Protein change: p.His410Asn; replaces histidine 410 with asparagine.
Molecular consequence: missense variant.
Genome position (GRCh38, 1-based): chr1:237,445,458, C>A. VCF-style: chr1-237445458-C-A. GRCh37 (hg19) VCF-style: chr1-237608758-C-A.
Other names: short protein forms H410N.
Identifiers: ClinVar variation 4756258 (VCV004756258.1).
Genomic context (GRCh38, chr1:237,445,458, plus strand): 5'-CAGGCTATTATGCATCATGAAGGCCACATGGATGATGGCATAAGTTTGTCGAGATCCCAG[C>A]ATGAAGAATCACGCACAGCCCGAGTTATCCGGAGCACAGTCTTCCTTTTCAATAGATTTA-3'
Protein context (NP_001026.2, residues 400-420): DDGISLSRSQ[His410Asn]EESRTARVIR